The following is an entry in ClinVar:

ClinVar aggregate classification (germline): Uncertain significance (1 of 4 stars; one submission).

gnomAD v4.1: 1 of 1,551,272 alleles (0.000064%); highest among the groups gnomAD compares: African/African-American, 0.0014%; no homozygotes.

Submission:

Labcorp Genetics (formerly Invitae), Labcorp
Classification: Uncertain significance. Last evaluated: 2024-10-29. Review status: criteria provided, single submitter. Criteria: Invitae Variant Classification Sherloc (09022015). Collection method: clinical testing. Allele origin: germline.
Comment: This sequence change replaces isoleucine, which is neutral and non-polar, with leucine, which is neutral and non-polar, at codon 67 of the POC5 protein (p.Ile67Leu). This variant is not present in population databases (gnomAD no frequency). This variant has not been reported in the literature in individuals affected with POC5-related conditions. ClinVar contains an entry for this variant (Variation ID: 2088854). An algorithm developed to predict the effect of missense changes on protein structure and function outputs the following: PolyPhen-2: "Benign". The leucine amino acid residue is found in multiple mammalian species, which suggests that this missense change does not adversely affect protein function. In summary, the available evidence is currently insufficient to determine the role of this variant in disease. Therefore, it has been classified as a Variant of Uncertain Significance.

NM_001099271.2(POC5):c.199A>C (p.Ile67Leu)

Gene: POC5 (POC5 centriolar protein; minus strand). Cytogenetic location: 5q13.3.
Variant type: single nucleotide variant.
Coding change: c.199A>C on transcript NM_001099271.2 (MANE Select); coding-DNA position 199, A replaced by C.
Protein change: p.Ile67Leu; replaces isoleucine 67 with leucine.
Molecular consequence: missense variant.
Genome position (GRCh38, 1-based): chr5:75,707,761, T>G on the plus strand (A>C on the coding strand, the complement: POC5 is on the minus strand). VCF-style: chr5-75707761-T-G. GRCh37 (hg19) VCF-style: chr5-75003586-T-G.
Other names: c.124A>C, p.Ile42Leu (NM_152408.3); short protein forms I67L, I42L.
Identifiers: ClinVar variation 2088854 (VCV002088854.4), dbSNP rs2478951135, ClinGen allele CA360150906.